The following is an entry in ClinVar:

ClinVar aggregate classification (germline): Uncertain significance. Review status: criteria provided, multiple submitters, no conflicts (2 of 4 stars). 2 submissions from 2 submitters: Uncertain significance (2). Last evaluated 2022-10-21.

Conditions:
Multiple sulfatase deficiency (MSD). Also called: Multiple Sulfatase Deficiency Disease; Sulfatidosis, Juvenile, Austin Type; Mucosulfatidosis. Identifiers: Orphanet 585, MedGen C0268263, MONDO:0010088, OMIM 272200.
Inborn genetic diseases. Identifiers: MedGen C0950123, MeSH D030342.

Allele frequency attached by ClinVar (database versions not stated): gnomAD 0.00002; TOPMed 0.00002; gnomAD exomes 0.00005; ExAC 0.00009.
gnomAD v4.1: 79 of 1,604,496 alleles (0.0049%); highest among the groups gnomAD compares: South Asian, 0.045%; no homozygotes.

Submissions (2):

Ambry Genetics
Classification: Uncertain significance for Inborn genetic diseases. Last evaluated: 2022-10-21. Review status: criteria provided, single submitter. Criteria: Ambry Variant Classification Scheme 2023. Collection method: clinical testing. Allele origin: germline.

Labcorp Genetics (formerly Invitae), Labcorp
Classification: Uncertain significance for Multiple sulfatase deficiency. Last evaluated: 2022-08-16. Review status: criteria provided, single submitter. Criteria: Invitae Variant Classification Sherloc (09022015). Collection method: clinical testing. Allele origin: germline.
Comment: This sequence change replaces lysine, which is basic and polar, with glutamic acid, which is acidic and polar, at codon 90 of the SUMF1 protein (p.Lys90Glu). This variant is present in population databases (rs747024724, gnomAD 0.04%). This variant has not been reported in the literature in individuals affected with SUMF1-related conditions. Algorithms developed to predict the effect of missense changes on protein structure and function (SIFT, PolyPhen-2, Align-GVGD) all suggest that this variant is likely to be tolerated. Algorithms developed to predict the effect of sequence changes on RNA splicing suggest that this variant may create or strengthen a splice site. In summary, the available evidence is currently insufficient to determine the role of this variant in disease. Therefore, it has been classified as a Variant of Uncertain Significance.

NM_182760.4(SUMF1):c.268A>G (p.Lys90Glu)

Genes: SUMF1 (sulfatase modifying factor 1; minus strand), LOC129936056 (ATAC-STARR-seq lymphoblastoid silent region 14016; plus strand). Cytogenetic location: 3p26.1.
Variant type: single nucleotide variant.
Coding change: c.268A>G on transcript NM_182760.4 (MANE Select); coding-DNA position 268, A replaced by G.
Protein change: p.Lys90Glu; replaces lysine 90 with glutamic acid.
Molecular consequence: missense variant.
Genome position (GRCh38, 1-based): chr3:4,466,978, T>C on the plus strand (A>G on the coding strand, the complement: SUMF1 is on the minus strand). VCF-style: chr3-4466978-T-C. GRCh37 (hg19) VCF-style: chr3-4508662-T-C.
Other names: c.268A>G (NM_182760.3); c.268A>G, p.Lys90Glu (NM_001164674.2, NM_001164675.2); short protein forms K90E.
Identifiers: ClinVar variation 2146391 (VCV002146391.2), dbSNP rs747024724, ClinGen allele CA2230671.